The following is an entry in ClinVar:

ClinVar aggregate classification (germline): Conflicting classifications of pathogenicity. Review status: criteria provided, conflicting classifications (1 of 4 stars). 6 submissions from 6 submitters: Uncertain significance (5); Likely benign (1). Last evaluated 2026-01-21.

Conditions:
SMARCA4-related disorder. Also called: SMARCA4-related condition.
Rhabdoid tumor predisposition syndrome 2 (RTPS2). Identifiers: Orphanet 231108, Orphanet 69077, MedGen C2750074, MONDO:0013224, OMIM 613325.
Intellectual disability, autosomal dominant 16 (CSS4). Also called: COFFIN-SIRIS SYNDROME 4. Identifiers: Orphanet 1465, MedGen C3553249, MONDO:0013821, OMIM 614609.
Hereditary cancer-predisposing syndrome. Also called: Neoplastic Syndromes, Hereditary; Hereditary neoplastic syndrome; Hereditary Cancer Syndrome; Tumor predisposition. Identifiers: Orphanet 140162, MedGen C0027672, MeSH D009386, MONDO:0015356.

Allele frequency attached by ClinVar (database versions not stated): ExAC 0.00001; gnomAD exomes 0.00001 and 0.00004; gnomAD 0.00002; TOPMed 0.00002.
gnomAD v4.1: 59 of 1,605,614 alleles (0.0037%); highest among the groups gnomAD compares: Non-Finnish European, 0.0045%; no homozygotes.

Submissions (6):

Labcorp Genetics (formerly Invitae), Labcorp
Classification: Uncertain significance for Rhabdoid tumor predisposition syndrome 2. Last evaluated: 2026-01-21. Review status: criteria provided, single submitter. Criteria: Invitae Variant Classification Sherloc (09022015). Collection method: clinical testing. Allele origin: germline.
Comment: This sequence change replaces arginine, which is basic and polar, with histidine, which is basic and polar, at codon 310 of the SMARCA4 protein (p.Arg310His). The frequency data for this variant in the population databases is considered unreliable, as metrics indicate poor data quality at this position in the gnomAD database. This variant has not been reported in the literature in individuals affected with SMARCA4-related conditions. ClinVar contains an entry for this variant (Variation ID: 238530). Invitae Evidence Modeling of protein sequence and biophysical properties (such as structural, functional, and spatial information, amino acid conservation, physicochemical variation, residue mobility, and thermodynamic stability) indicates that this missense variant is not expected to disrupt SMARCA4 protein function with a negative predictive value of 95%. In summary, the available evidence is currently insufficient to determine the role of this variant in disease. Therefore, it has been classified as a Variant of Uncertain Significance.

PreventionGenetics, part of Exact Sciences
Classification: Uncertain significance for SMARCA4-related condition. Last evaluated: 2025-05-29. Review status: criteria provided, single submitter. Criteria: ACMG Guidelines, 2015. Collection method: clinical testing. Allele origin: germline.
Comment: The SMARCA4 c.929G>A variant is predicted to result in the amino acid substitution p.Arg310His. To our knowledge, this variant has not been reported in the literature. This variant is reported in 0.0068% of alleles in individuals of South Asian descent in gnomAD. At this time, the clinical significance of this variant is uncertain due to the absence of conclusive functional and genetic evidence.

Quest Diagnostics Nichols Institute San Juan Capistrano
Classification: Uncertain significance. Last evaluated: 2024-07-05. Review status: criteria provided, single submitter. Criteria: Quest Diagnostics criteria. Collection method: clinical testing. Allele origin: unknown.
Comment: The SMARCA4 c.929G>A (p.Arg310His) variant has not been reported in individuals with SMARCA4-related conditions in the published literature. The frequency of this variant in the general population, 0.000013 (3/228456 chromosomes (Genome Aggregation Database)), is uninformative in the assessment of its pathogenicity. Analysis of this variant using bioinformatics tools for the prediction of the effect of amino acid changes on protein structure and function yielded conflicting predictions that this variant is benign or damaging. Based on the available information, we are unable to determine the clinical significance of this variant.

Genome-Nilou Lab
Classification: Uncertain significance for Intellectual disability, autosomal dominant 16. Last evaluated: 2021-07-15. Review status: criteria provided, single submitter. Criteria: ACMG Guidelines, 2015. Collection method: clinical testing. Allele origin: germline. Affected: no.

Fulgent Genetics
Classification: Uncertain significance for Rhabdoid tumor predisposition syndrome 2; Intellectual disability, autosomal dominant 16. Last evaluated: 2021-07-06. Review status: criteria provided, single submitter. Criteria: ACMG Guidelines, 2015. Collection method: clinical testing. Allele origin: unknown.

Ambry Genetics
Classification: Likely benign for Hereditary cancer-predisposing syndrome. Last evaluated: 2021-03-17. Review status: criteria provided, single submitter. Criteria: Ambry Variant Classification Scheme 2023. Collection method: clinical testing. Allele origin: germline.

NM_003072.5(SMARCA4):c.929G>A (p.Arg310His)

Gene: SMARCA4 (SWI/SNF related BAF chromatin remodeling complex subunit ATPase 4; plus strand). Cytogenetic location: 19p13.2.
Variant type: single nucleotide variant.
Coding change: c.929G>A on transcript NM_003072.5 (MANE Select); coding-DNA position 929, G replaced by A.
Protein change: p.Arg310His; replaces arginine 310 with histidine.
Molecular consequence: missense variant. On other transcripts: non-coding transcript variant (1).
Genome position (GRCh38, 1-based): chr19:10,987,735, G>A. VCF-style: chr19-10987735-G-A. GRCh37 (hg19) VCF-style: chr19-11098411-G-A.
Other names: c.929G>A, p.Arg310His (NM_001128844.3, NM_001128845.2, NM_001128846.2 and 5 more transcripts); c.929G>A (NM_001128849.2); short protein forms R310H.
Identifiers: ClinVar variation 238530 (VCV000238530.18), dbSNP rs766422429, ClinGen allele CA9203632.